The following is an entry in ClinVar:

ClinVar aggregate classification (germline): Uncertain significance (1 of 4 stars; one submission).

Submission:

CeGaT Center for Human Genetics Tuebingen
Classification: Uncertain significance. Last evaluated: 2023-03-01. Review status: criteria provided, single submitter. Criteria: CeGaT Center For Human Genetics Tuebingen Variant Classification Criteria Version 2. Collection method: clinical testing. Allele origin: germline. Affected: yes. Observed: 1 variant allele.
Comment: SOX3: PM2, PP3

NM_005634.3(SOX3):c.149T>C (p.Leu50Pro)

Genes: SOX3 (SRY-box transcription factor 3; minus strand), LOC108281134 (SOX3 promoter region; plus strand). Cytogenetic location: Xq27.1.
Variant type: single nucleotide variant.
Coding change: c.149T>C on transcript NM_005634.3 (MANE Select); coding-DNA position 149, T replaced by C.
Protein change: p.Leu50Pro; replaces leucine 50 with proline.
Molecular consequence: missense variant.
Genome position (GRCh38, 1-based): chrX:140,504,912, A>G on the plus strand (T>C on the coding strand, the complement: SOX3 is on the minus strand). VCF-style: chrX-140504912-A-G. GRCh37 (hg19) VCF-style: chrX-139587077-A-G.
Other names: short protein forms L50P.
Identifiers: ClinVar variation 2661543 (VCV002661543.24), dbSNP rs2520869225, ClinGen allele CA414479382.